The following is an entry in ClinVar:

ClinVar aggregate classification (germline): Uncertain significance (1 of 4 stars; one submission).

gnomAD v4.1: 4 of 1,600,534 alleles (0.00025%); highest among the groups gnomAD compares: Admixed American, 0.0017%; no homozygotes.

Submission:

Women's Health and Genetics/Laboratory Corporation of America, LabCorp
Classification: Uncertain significance. Last evaluated: 2024-04-15. Review status: criteria provided, single submitter. Criteria: LabCorp Variant Classification Summary - May 2015. Collection method: clinical testing. Allele origin: germline.
Comment: Variant summary: HECW2 c.3419+8C>A alters a non-conserved nucleotide located close to a canonical splice site and therefore could affect mRNA splicing, leading to a significantly altered protein sequence. Consensus agreement among computation tools predict no significant impact on normal splicing. However, these predictions have yet to be confirmed by functional studies. The variant allele was found at a frequency of 4e-06 in 250750 control chromosomes (gnomAD). The available data on variant occurrences in the general population are insufficient to allow any conclusion about variant significance. To our knowledge, no occurrence of c.3419+8C>A in individuals affected with Neurodevelopmental Disorder With Hypotonia, Seizures, And Absent Language and no experimental evidence demonstrating its impact on protein function have been reported. No submitters have cited clinical-significance assessments for this variant to ClinVar. Based on the evidence outlined above, the variant was classified as uncertain significance.

NM_001348768.2(HECW2):c.3419+8C>A

Gene: HECW2 (HECT, C2 and WW domain containing E3 ubiquitin protein ligase 2; minus strand). Cytogenetic location: 2q32.3.
Variant type: single nucleotide variant.
Coding change: c.3419+8C>A on transcript NM_001348768.2 (MANE Select); 8 bases into the intron after coding-DNA position 3419, C replaced by A.
Molecular consequence: intron variant.
Genome position (GRCh38, 1-based): chr2:196,257,815, G>T on the plus strand (C>A on the coding strand, the complement: HECW2 is on the minus strand). VCF-style: chr2-196257815-G-T. GRCh37 (hg19) VCF-style: chr2-197122539-G-T.
Other names: c.3419+8C>A (NM_020760.4); c.2351+8C>A (NM_001304840.3).
Identifiers: ClinVar variation 3251296 (VCV003251296.1), dbSNP rs184195465.